The following is an entry in ClinVar:

ClinVar aggregate classification (germline): Pathogenic (1 of 4 stars; one submission).

Conditions:
Vici syndrome (VICIS). Identifiers: Orphanet 1493, MedGen C1855772, MONDO:0009452, OMIM 242840.

Allele frequency attached by ClinVar (database versions not stated): TOPMed 0.00001.

Submission:

Labcorp Genetics (formerly Invitae), Labcorp
Classification: Pathogenic for Vici syndrome. Last evaluated: 2019-09-13. Review status: criteria provided, single submitter. Criteria: Invitae Variant Classification Sherloc (09022015). Collection method: clinical testing. Allele origin: germline.
Comment: For these reasons, this variant has been classified as Pathogenic. Loss-of-function variants in EPG5 are known to be pathogenic (PMID: 23222957, 23674064). This variant has not been reported in the literature in individuals with EPG5-related conditions. This variant is not present in population databases (ExAC no frequency). This sequence change creates a premature translational stop signal (p.Gln746*) in the EPG5 gene. It is expected to result in an absent or disrupted protein product.

Literature cited by the submitters: PubMed 23222957; PubMed 23674064.

NM_020964.3(EPG5):c.2236C>T (p.Gln746Ter)

Gene: EPG5 (ectopic P-granules 5 autophagy tethering factor; minus strand). Cytogenetic location: 18q21.1.
Variant type: single nucleotide variant.
Coding change: c.2236C>T on transcript NM_020964.3 (MANE Select); coding-DNA position 2236, C replaced by T.
Protein change: p.Gln746Ter; replaces glutamine 746 with a stop codon.
Molecular consequence: nonsense.
Genome position (GRCh38, 1-based): chr18:45,934,830, G>A on the plus strand (C>T on the coding strand, the complement: EPG5 is on the minus strand). VCF-style: chr18-45934830-G-A. GRCh37 (hg19) VCF-style: chr18-43514796-G-A.
Other names: short protein forms Q746*.
Identifiers: ClinVar variation 939910 (VCV000939910.8), dbSNP rs2050481336, ClinGen allele CA402347555.